The following is an entry in ClinVar:

NM_006494.4(ERF):c.202G>A (p.Gly68Ser)

Gene: ERF (ETS2 repressor factor; minus strand). Cytogenetic location: 19q13.2.
Variant type: single nucleotide variant.
Coding change: c.202G>A on transcript NM_006494.4 (MANE Select); coding-DNA position 202, G replaced by A.
Protein change: p.Gly68Ser; replaces glycine 68 with serine.
Molecular consequence: missense variant. On other transcripts: 5 prime UTR variant (3).
Genome position (GRCh38, 1-based): chr19:42,250,386, C>T on the plus strand (G>A on the coding strand, the complement: ERF is on the minus strand). VCF-style: chr19-42250386-C-T. GRCh37 (hg19) VCF-style: chr19-42754538-C-T.
Other names: c.-24G>A (NM_001301035.2, NM_001308402.2, NM_001312656.2); short protein forms G68S.
Identifiers: ClinVar variation 2662185 (VCV002662185.2), dbSNP rs2513525599, ClinGen allele CA406115042.

ClinVar aggregate classification (germline): Uncertain significance (1 of 4 stars; one submission).

Conditions:
Chitayat syndrome (CHYTS). Identifiers: MedGen C4310679, MONDO:0014956, OMIM 617180.
Craniosynostosis 4 (CRS4). Identifiers: MedGen C3806917, MONDO:0010929, OMIM 600775.

Submission:

GeneDx
Classification: Uncertain significance. Last evaluated: 2023-04-27. Review status: criteria provided, single submitter. Criteria: GeneDx Variant Classification Process June 2021. Collection method: clinical testing. Allele origin: germline. Affected: yes.
Comment: Not observed at significant frequency in large population cohorts (gnomAD); In silico analysis supports that this missense variant has a deleterious effect on protein structure/function; Has not been previously published as pathogenic or benign to our knowledge